The following is an entry in ClinVar:

NM_001267550.2(TTN):c.12048G>A (p.Met4016Ile)

Gene: TTN (titin; minus strand). Cytogenetic location: 2q31.2.
Variant type: single nucleotide variant.
Coding change: c.12048G>A on transcript NM_001267550.2 (MANE Select); coding-DNA position 12048, G replaced by A.
Protein change: p.Met4016Ile; replaces methionine 4016 with isoleucine.
Molecular consequence: missense variant. On other transcripts: intron variant (1).
Genome position (GRCh38, 1-based): chr2:178,741,185, C>T on the plus strand (G>A on the coding strand, the complement: TTN is on the minus strand). VCF-style: chr2-178741185-C-T. GRCh37 (hg19) VCF-style: chr2-179605912-C-T.
Other names: c.12048G>A (NM_001267550.1); c.11097G>A, p.Met3699Ile (NM_001256850.1); c.10959G>A, p.Met3653Ile (NM_003319.4); c.11334G>A, p.Met3778Ile (NM_133432.3); c.11535G>A, p.Met3845Ile (NM_133437.4); c.10361-2825G>A (NM_133378.4); short protein forms M4016I, M3699I, M3778I, M3653I, M3845I.
Identifiers: ClinVar variation 4682223 (VCV004682223.2), dbSNP rs528996964.
Genomic context (GRCh38, chr2:178,741,185, plus strand): 5'-AGTCATGTCTGTGTCTTCCAGAAGCACAAGCAGCTCTGCTGCACAGGTGGACTCACCCAA[C>T]ATATTCTCTGCTTTACAGATATAGAGGCCACTGTCTTCCCTCTGAGGGTCATTGACAATG-3'
Protein context (NP_001254479.2, residues 4006-4026): SGLYICKAEN[Met4016Ile]LGESTCAAEL

ClinVar aggregate classification (germline): Uncertain significance. Review status: criteria provided, multiple submitters, no conflicts (2 of 4 stars). 2 submissions from 2 submitters: Uncertain significance (2). Last evaluated 2026-03-24.

Conditions:
TTN-related disorder. Also called: TTN-related condition; TTN-related disease; TTN-related disorders.

Allele frequency attached by ClinVar (database versions not stated): gnomAD 0.00001; gnomAD exomes 0.00004; TOPMed 0.00004; ExAC 0.00006.
gnomAD v4.1: 57 of 1,613,418 alleles (0.0035%); highest among the groups gnomAD compares: Middle Eastern, 0.017%; no homozygotes.

Submissions (2):

PreventionGenetics, part of Exact Sciences
Classification: Uncertain significance for TTN-related condition. Last evaluated: 2026-03-24. Review status: criteria provided, single submitter. Criteria: ACMG Guidelines, 2015. Collection method: clinical testing. Allele origin: germline.
Comment: The TTN c.12048G>A variant is predicted to result in the amino acid substitution p.Met4016Ile. To our knowledge, this variant has not been reported in the literature. This variant is reported in 0.0086% of alleles in individuals of European (Non-Finnish) descent in gnomAD. At this time, the clinical significance of this variant is uncertain due to the absence of conclusive functional and genetic evidence.

Athena Diagnostics
Classification: Uncertain significance. Last evaluated: 2025-01-22. Review status: criteria provided, single submitter. Criteria: Athena Diagnostics Criteria. Collection method: clinical testing. Allele origin: unknown.
Comment: Available data are insufficient to determine the clinical significance of the variant at this time. The frequency of this variant in the general population is uninformative in assessment of its pathogenicity. Computational tools predict that this variant is not damaging.